The following is an entry in ClinVar:

NM_013247.5(HTRA2):c.867A>G (p.Gln289=)

Gene: HTRA2 (HtrA serine peptidase 2; plus strand). Cytogenetic location: 2p13.1.
Variant type: single nucleotide variant.
Coding change: c.867A>G on transcript NM_013247.5 (MANE Select); coding-DNA position 867, A replaced by G.
Protein change: p.Gln289=; no amino-acid change (glutamine 289 retained).
Molecular consequence: synonymous variant. On other transcripts: non-coding transcript variant (4), intron variant (1).
Genome position (GRCh38, 1-based): chr2:74,531,066, A>G. VCF-style: chr2-74531066-A-G. GRCh37 (hg19) VCF-style: chr2-74758193-A-G.
Other names: c.867A>G, p.Gln289= (NM_001321727.1, NM_001321728.1); c.711+245A>G (NM_145074.2); c.867A>G (NM_013247.4).
Identifiers: ClinVar variation 1442421 (VCV001442421.7), dbSNP rs201875183, ClinGen allele CA1728449.

ClinVar aggregate classification (germline): Likely benign. Review status: criteria provided, multiple submitters, no conflicts (2 of 4 stars). 2 submissions from 2 submitters: Likely benign (2). Last evaluated 2025-09-28.

Conditions:
HTRA2-related disorder. Also called: HTRA2-related condition.

Allele frequency attached by ClinVar (database versions not stated): gnomAD 0.00004 and 0.00005; TOPMed 0.00012; 1000 Genomes Project 30x 0.00016; 1000 Genomes Project 0.00020.

Submissions (2):

Labcorp Genetics (formerly Invitae), Labcorp
Classification: Likely benign. Last evaluated: 2025-09-28. Review status: criteria provided, single submitter. Criteria: Invitae Variant Classification Sherloc (09022015). Collection method: clinical testing. Allele origin: germline.

PreventionGenetics, part of Exact Sciences
Classification: Likely benign for HTRA2-related condition. Last evaluated: 2025-02-18. Review status: criteria provided, single submitter. Criteria: ACMG Guidelines, 2015. Collection method: clinical testing. Allele origin: germline.
Comment: This variant is classified as likely benign based on ACMG/AMP sequence variant interpretation guidelines (Richards et al. 2015 PMID: 25741868, with internal and published modifications).